The following is an entry in ClinVar:

ClinVar aggregate classification (germline): Uncertain significance (1 of 4 stars; one submission).

Conditions:
Immunodeficiency-centromeric instability-facial anomalies syndrome 2 (ICF2). Identifiers: Orphanet 2268, MedGen C3279748, MONDO:0013553, OMIM 614069.

Submission:

Labcorp Genetics (formerly Invitae), Labcorp
Classification: Uncertain significance for Immunodeficiency-centromeric instability-facial anomalies syndrome 2. Last evaluated: 2024-10-16. Review status: criteria provided, single submitter. Criteria: Invitae Variant Classification Sherloc (09022015). Collection method: clinical testing. Allele origin: germline.
Comment: This variant, c.869_877del, results in the deletion of 3 amino acid(s) of the ZBTB24 protein (p.Gly290_Pro292del), but otherwise preserves the integrity of the reading frame. This variant is not present in population databases (gnomAD no frequency). This variant has not been reported in the literature in individuals affected with ZBTB24-related conditions. ClinVar contains an entry for this variant (Variation ID: 1905866). Experimental studies and prediction algorithms are not available or were not evaluated, and the functional significance of this variant is currently unknown. In summary, the available evidence is currently insufficient to determine the role of this variant in disease. Therefore, it has been classified as a Variant of Uncertain Significance.

NM_014797.3(ZBTB24):c.869_877del (p.Gly290_Pro292del)

Gene: ZBTB24 (zinc finger and BTB domain containing 24; minus strand). Cytogenetic location: 6q21.
Variant type: Deletion.
Coding change: c.869_877del on transcript NM_014797.3 (MANE Select); coding-DNA positions 869 to 877, 9 bases deleted (GAGGCCCTG; older notation c.869_877delGAGGCCCTG).
Protein change: p.Gly290_Pro292del.
Molecular consequence: inframe deletion.
Genome position (GRCh38, 1-based): chr6:109,481,150-109,481,158, CAGGGCCTC deleted on the plus strand (GAGGCCCTG on the coding strand, the reverse complement: ZBTB24 is on the minus strand); deleting any 9 consecutive bases within chr6:109,481,150-109,481,164 gives the same sequence; the c. name uses the placement nearest the transcript's 3' end. VCF-style (leftmost placement, unchanged base first): chr6-109481149-TCAGGGCCTC-T. GRCh37 (hg19) VCF-style: chr6-109802352-TCAGGGCCTC-T.
Other names: c.869_877del, p.Gly290_Pro292del (NM_001164313.2).
Identifiers: ClinVar variation 1905866 (VCV001905866.5), dbSNP rs2482880832, ClinGen allele CA2580074737.